The following is an entry in ClinVar:

ClinVar aggregate classification (germline): Uncertain significance. Review status: criteria provided, multiple submitters, no conflicts (2 of 4 stars). 2 submissions from 2 submitters: Uncertain significance (2). Last evaluated 2025-05-19.

Conditions:
Charcot-Marie-Tooth disease axonal type 2C (HMSN2C). Also called: CHARCOT-MARIE-TOOTH DISEASE, AXONAL, AUTOSOMAL DOMINANT, TYPE 2C; Charcot-Marie-Tooth Neuropathy Type 2C; Charcot-Marie-Tooth Disease Type 2, TRPV4-Related (CMT2C). Identifiers: Orphanet 99937, MedGen C1853710, MONDO:0011633, OMIM 606071.

Allele frequency attached by ClinVar (database versions not stated): ExAC 0.00001; gnomAD 0.00001; TOPMed 0.00001; gnomAD exomes 0.00002; ESP Exome Variant Server 0.00008.
gnomAD v4.1: 24 of 1,613,618 alleles (0.0015%); highest among the groups gnomAD compares: Non-Finnish European, 0.0019%; no homozygotes.

Submissions (2):

Labcorp Genetics (formerly Invitae), Labcorp
Classification: Uncertain significance for Charcot-Marie-Tooth disease axonal type 2C. Last evaluated: 2025-05-19. Review status: criteria provided, single submitter. Criteria: Invitae Variant Classification Sherloc (09022015). Collection method: clinical testing. Allele origin: germline.
Comment: This sequence change falls in intron 4 of the TRPV4 gene. It does not directly change the encoded amino acid sequence of the TRPV4 protein. It affects a nucleotide within the consensus splice site. This variant is present in population databases (rs372251308, gnomAD 0.004%). This variant has not been reported in the literature in individuals affected with TRPV4-related conditions. ClinVar contains an entry for this variant (Variation ID: 536864). Variants that disrupt the consensus splice site are a relatively common cause of aberrant splicing (PMID: 17576681, 9536098). Algorithms developed to predict the effect of sequence changes on RNA splicing suggest that this variant may disrupt the consensus splice site. In summary, the available evidence is currently insufficient to determine the role of this variant in disease. Therefore, it has been classified as a Variant of Uncertain Significance.

GeneDx
Classification: Uncertain significance. Last evaluated: 2020-08-25. Review status: criteria provided, single submitter. Criteria: GeneDx Variant Classification Process June 2021. Collection method: clinical testing. Allele origin: germline. Affected: yes.
Comment: Not observed at a significant frequency in large population cohorts (Lek et al., 2016); Intronic +5 splice site variant in a gene for which loss-of-function is not a known mechanism of disease; Has not been previously published as pathogenic or benign to our knowledge

Literature cited by the submitters: PubMed 17576681 (cited by Labcorp Genetics (formerly Invitae), Labcorp); PubMed 9536098 (cited by Labcorp Genetics (formerly Invitae), Labcorp).

NM_021625.5(TRPV4):c.712+5G>A

Gene: TRPV4 (transient receptor potential cation channel subfamily V member 4; minus strand). Cytogenetic location: 12q24.11.
Variant type: single nucleotide variant.
Coding change: c.712+5G>A on transcript NM_021625.5 (MANE Select); 5 bases into the intron after coding-DNA position 712, G replaced by A.
Molecular consequence: intron variant.
Genome position (GRCh38, 1-based): chr12:109,802,986, C>T on the plus strand (G>A on the coding strand, the complement: TRPV4 is on the minus strand). VCF-style: chr12-109802986-C-T. GRCh37 (hg19) VCF-style: chr12-110240791-C-T.
Other names: c.712+5G>A (NM_001177433.1, NM_001177428.1, NM_147204.2); c.610+5G>A (NM_001177431.1).
Identifiers: ClinVar variation 536864 (VCV000536864.9), dbSNP rs372251308, ClinGen allele CA6780467.
Genomic context (GRCh38, chr12:109,802,986, plus strand): 5'-CAGACAAGCAAAGGACAGCGTCTCCATCAGCCCCCGTGGCACCCCTGCCCAGCCCGGGGC[C>T]CCACCTCGATAGTAGATGTCACGGAAGGGCGAGTTAATGAACTCCCTCATGTTGCCGGTG-3'